The following is an entry in ClinVar:

ClinVar aggregate classification (germline): Uncertain significance (1 of 4 stars; one submission).

Allele frequency attached by ClinVar (database versions not stated): gnomAD exomes below 0.00001; TOPMed below 0.00001.
gnomAD v4.1: 5 of 1,190,100 alleles (0.00042%); highest among the groups gnomAD compares: Admixed American, 0.016%; no homozygotes.

Submission:

Labcorp Genetics (formerly Invitae), Labcorp
Classification: Uncertain significance. Last evaluated: 2024-01-19. Review status: criteria provided, single submitter. Criteria: Invitae Variant Classification Sherloc (09022015). Collection method: clinical testing. Allele origin: germline.
Comment: This sequence change replaces glutamic acid, which is acidic and polar, with glycine, which is neutral and non-polar, at codon 917 of the BRD4 protein (p.Glu917Gly). This variant is not present in population databases (gnomAD no frequency). This variant has not been reported in the literature in individuals affected with BRD4-related conditions. An algorithm developed to predict the effect of missense changes on protein structure and function (PolyPhen-2) suggests that this variant is likely to be tolerated. In summary, the available evidence is currently insufficient to determine the role of this variant in disease. Therefore, it has been classified as a Variant of Uncertain Significance.

NM_001379291.1(BRD4):c.2750A>G (p.Glu917Gly)

Gene: BRD4 (bromodomain containing 4; minus strand). Cytogenetic location: 19p13.12.
Variant type: single nucleotide variant.
Coding change: c.2750A>G on transcript NM_001379291.1 (MANE Select); coding-DNA position 2750, A replaced by G.
Protein change: p.Glu917Gly; replaces glutamic acid 917 with glycine.
Molecular consequence: missense variant.
Genome position (GRCh38, 1-based): chr19:15,243,319, T>C on the plus strand (A>G on the coding strand, the complement: BRD4 is on the minus strand). VCF-style: chr19-15243319-T-C. GRCh37 (hg19) VCF-style: chr19-15354130-T-C.
Other names: c.2750A>G, p.Glu917Gly (NM_058243.3); short protein forms E917G.
Identifiers: ClinVar variation 3021245 (VCV003021245.3), dbSNP rs2047255959, ClinGen allele CA404505131.